The following is an entry in ClinVar:

ClinVar aggregate classification (germline): Uncertain significance (1 of 4 stars; one submission).

Allele frequency attached by ClinVar (database versions not stated): gnomAD exomes below 0.00001 and 0.00001; gnomAD 0.00003 and 0.00005; TOPMed 0.00008.

Submission:

Labcorp Genetics (formerly Invitae), Labcorp
Classification: Uncertain significance. Last evaluated: 2022-06-09. Review status: criteria provided, single submitter. Criteria: Invitae Variant Classification Sherloc (09022015). Collection method: clinical testing. Allele origin: germline.
Comment: In summary, the available evidence is currently insufficient to determine the role of this variant in disease. Therefore, it has been classified as a Variant of Uncertain Significance. Experimental studies and prediction algorithms are not available or were not evaluated, and the functional significance of this variant is currently unknown. This variant has not been reported in the literature in individuals affected with KCNK18-related conditions. This variant is present in population databases (no rsID available, gnomAD 0.0009%). This sequence change creates a premature translational stop signal (p.Leu143Aspfs*21) in the KCNK18 gene. While this is not anticipated to result in nonsense mediated decay, it is expected to disrupt the last 242 amino acid(s) of the KCNK18 protein.

NM_181840.1(KCNK18):c.427_428del (p.Leu143fs)

Gene: KCNK18 (potassium two pore domain channel subfamily K member 18; plus strand). Cytogenetic location: 10q25.3.
Variant type: Deletion.
Coding change: c.427_428del on transcript NM_181840.1 (MANE Select); coding-DNA positions 427 to 428, 2 bases deleted (CT; older notation c.427_428delCT).
Protein change: p.Leu143fs; shifts the reading frame from leucine 143.
Molecular consequence: frameshift variant.
Genome position (GRCh38, 1-based): chr10:117,209,571-117,209,572, CT deleted. VCF-style (leftmost placement, unchanged base first): chr10-117209570-CCT-C. GRCh37 (hg19) VCF-style: chr10-118969081-CCT-C.
Other names: short protein forms L143fs.
Identifiers: ClinVar variation 1450611 (VCV001450611.6), dbSNP rs1181811041, ClinGen allele CA471733430.